The following is an entry in ClinVar:

ClinVar aggregate classification (germline): Uncertain significance (1 of 4 stars; one submission).

gnomAD v4.1: 7 of 1,613,592 alleles (0.00043%); highest among the groups gnomAD compares: Non-Finnish European, 0.00059%; no homozygotes.

Submission:

Labcorp Genetics (formerly Invitae), Labcorp
Classification: Uncertain significance. Last evaluated: 2024-05-28. Review status: criteria provided, single submitter. Criteria: Invitae Variant Classification Sherloc (09022015). Collection method: clinical testing. Allele origin: germline.
Comment: This sequence change replaces asparagine, which is neutral and polar, with aspartic acid, which is acidic and polar, at codon 219 of the CCDC50 protein (p.Asn219Asp). This variant is present in population databases (rs759367745, gnomAD 0.005%). This variant has not been reported in the literature in individuals affected with CCDC50-related conditions. Algorithms developed to predict the effect of missense changes on protein structure and function output the following: SIFT: "Not Available"; PolyPhen-2: "Benign"; Align-GVGD: "Not Available". The aspartic acid amino acid residue is found in multiple mammalian species, which suggests that this missense change does not adversely affect protein function. In summary, the available evidence is currently insufficient to determine the role of this variant in disease. Therefore, it has been classified as a Variant of Uncertain Significance.

NM_178335.3(CCDC50):c.655A>G (p.Asn219Asp)

Gene: CCDC50 (coiled-coil domain containing 50; plus strand). Cytogenetic location: 3q28.
Variant type: single nucleotide variant.
Coding change: c.655A>G on transcript NM_178335.3 (MANE Select); coding-DNA position 655, A replaced by G.
Protein change: p.Asn219Asp; replaces asparagine 219 with aspartic acid.
Molecular consequence: missense variant. On other transcripts: intron variant (1).
Genome position (GRCh38, 1-based): chr3:191,375,268, A>G. VCF-style: chr3-191375268-A-G. GRCh37 (hg19) VCF-style: chr3-191093057-A-G.
Other names: c.449-4891A>G (NM_174908.4); short protein forms N219D.
Identifiers: ClinVar variation 3678961 (VCV003678961.2).